The following is an entry in ClinVar:

ClinVar aggregate classification (germline): Pathogenic. Review status: criteria provided, multiple submitters, no conflicts (2 of 4 stars). 2 submissions from 2 submitters: Pathogenic (2). Last evaluated 2026-04-21.

Conditions:
Hereditary cancer-predisposing syndrome. Also called: Tumor predisposition; Neoplastic Syndromes, Hereditary; Hereditary Cancer Syndrome; Hereditary neoplastic syndrome. Identifiers: Orphanet 140162, MedGen C0027672, MeSH D009386, MONDO:0015356.

Submissions (2):

Ambry Genetics
Classification: Pathogenic for Hereditary cancer-predisposing syndrome. Last evaluated: 2026-04-21. Review status: criteria provided, single submitter. Criteria: Ambry Variant Classification Scheme 2023. Collection method: clinical testing. Allele origin: germline.
Comment: The c.2270_2273delAGAA pathogenic mutation, located in coding exon 16 of the MSH3 gene, results from a deletion of 4 nucleotides at nucleotide positions 2270 to 2273, causing a translational frameshift with a predicted alternate stop codon (p.K757Tfs*12). This variant is considered to be rare based on population cohorts in the Genome Aggregation Database (gnomAD). This alteration is expected to result in loss of function by premature protein truncation or nonsense-mediated mRNA decay. As such, this alteration is interpreted as a disease-causing mutation.

Labcorp Genetics (formerly Invitae), Labcorp
Classification: Pathogenic. Last evaluated: 2022-06-03. Review status: criteria provided, single submitter. Criteria: Invitae Variant Classification Sherloc (09022015). Collection method: clinical testing. Allele origin: germline.
Comment: ClinVar contains an entry for this variant (Variation ID: 1443882). This variant has not been reported in the literature in individuals affected with MSH3-related conditions. This variant is not present in population databases (gnomAD no frequency). This sequence change creates a premature translational stop signal (p.Lys757Thrfs*12) in the MSH3 gene. It is expected to result in an absent or disrupted protein product. Loss-of-function variants in MSH3 are known to be pathogenic (PMID: 27476653). For these reasons, this variant has been classified as Pathogenic.

Literature cited by the submitters: PubMed 27476653 (cited by Labcorp Genetics (formerly Invitae), Labcorp).

NM_002439.5(MSH3):c.2270_2273del (p.Lys757fs)

Gene: MSH3 (mutS homolog 3; plus strand). Cytogenetic location: 5q14.1.
Variant type: Deletion.
Coding change: c.2270_2273del on transcript NM_002439.5 (MANE Select); coding-DNA positions 2270 to 2273, 4 bases deleted (AGAA; older notation c.2270_2273delAGAA).
Protein change: p.Lys757fs; shifts the reading frame from lysine 757.
Molecular consequence: frameshift variant.
Genome position (GRCh38, 1-based): chr5:80,775,710-80,775,713, AGAA deleted; deleting any 4 consecutive bases within chr5:80,775,708-80,775,713 gives the same sequence; the c. name uses the placement nearest the transcript's 3' end. VCF-style (leftmost placement, unchanged base first): chr5-80775707-TAAAG-T. GRCh37 (hg19) VCF-style: chr5-80071526-TAAAG-T.
Other names: c.2270_2273delAGAA (NM_002439.3); short protein forms K757fs.
Identifiers: ClinVar variation 1443882 (VCV001443882.7), dbSNP rs1744285692, ClinGen allele CA1558527440.